The following is an entry in ClinVar:

ClinVar aggregate classification (germline): Uncertain significance (1 of 4 stars; one submission).

Submission:

Labcorp Genetics (formerly Invitae), Labcorp
Classification: Uncertain significance. Last evaluated: 2025-12-03. Review status: criteria provided, single submitter. Criteria: Invitae Variant Classification Sherloc (09022015). Collection method: clinical testing. Allele origin: germline.
Comment: This sequence change replaces lysine, which is basic and polar, with arginine, which is basic and polar, at codon 420 of the DNAH9 protein (p.Lys420Arg). This variant is not present in population databases (gnomAD no frequency). This variant has not been reported in the literature in individuals affected with DNAH9-related conditions. Invitae Evidence Modeling of protein sequence and biophysical properties (such as structural, functional, and spatial information, amino acid conservation, physicochemical variation, residue mobility, and thermodynamic stability) indicates that this missense variant is not expected to disrupt DNAH9 protein function with a negative predictive value of 80%. In summary, the available evidence is currently insufficient to determine the role of this variant in disease. Therefore, it has been classified as a Variant of Uncertain Significance.

NM_001372.4(DNAH9):c.1259A>G (p.Lys420Arg)

Gene: DNAH9 (dynein axonemal heavy chain 9; plus strand). Cytogenetic location: 17p12.
Variant type: single nucleotide variant.
Coding change: c.1259A>G on transcript NM_001372.4 (MANE Select); coding-DNA position 1259, A replaced by G.
Protein change: p.Lys420Arg; replaces lysine 420 with arginine.
Molecular consequence: missense variant.
Genome position (GRCh38, 1-based): chr17:11,619,690, A>G. VCF-style: chr17-11619690-A-G. GRCh37 (hg19) VCF-style: chr17-11523007-A-G.
Other names: short protein forms K420R.
Identifiers: ClinVar variation 4697538 (VCV004697538.1).